The following is an entry in ClinVar:

ClinVar aggregate classification (germline): Pathogenic/Likely pathogenic. Review status: criteria provided, multiple submitters, no conflicts (2 of 4 stars). 2 submissions from 2 submitters: Pathogenic (1); Likely pathogenic (1). Last evaluated 2017-03-15.

Submissions (2):

Athena Diagnostics
Classification: Pathogenic. Last evaluated: 2017-03-15. Review status: criteria provided, single submitter. Criteria: Athena Diagnostics Criteria. Collection method: clinical testing. Allele origin: germline.

GeneDx
Classification: Likely pathogenic. Last evaluated: 2016-11-10. Review status: criteria provided, single submitter. Criteria: GeneDx Variant Classification (06012015). Collection method: clinical testing. Allele origin: germline. Affected: yes.
Comment: The c.4599-1 G>A likely pathogenic variant in the FLNA gene has not been reported as a pathogenic or benign variant to our knowledge. This single nucleotide substitution disrupts the intron 27 canonical splice acceptor and is predicted to cause abnormal gene splicing. Many other splice site variants in the FLNA gene have been reported in HGMD in association with PH (Stenson et al., 2014). Furthermore, the c.4599-1 G>A variant was not observed in approximately 6,500 individuals of European and African American ancestry in the NHLBI Exome Sequencing Project and was not present in Exome Aggregation Consortium, indicating it is not a common benign variant in these populations. In summary, the c.4599-1 G>A variant in the FLNA gene is expected to be pathogenic

NM_001110556.2(FLNA):c.4599-1G>A

Gene: FLNA (filamin A; minus strand). Cytogenetic location: Xq28.
Variant type: single nucleotide variant.
Coding change: c.4599-1G>A on transcript NM_001110556.2 (MANE Select); the canonical splice acceptor site of the intron before coding-DNA position 4599, G replaced by A.
Molecular consequence: splice acceptor variant.
Genome position (GRCh38, 1-based): chrX:154,358,356, C>T on the plus strand (G>A on the coding strand, the complement: FLNA is on the minus strand). VCF-style: chrX-154358356-C-T. GRCh37 (hg19) VCF-style: chrX-153586724-C-T.
Other names: c.4599-1G>A (NM_001456.4).
Identifiers: ClinVar variation 373109 (VCV000373109.1), dbSNP rs1057518223, ClinGen allele CA16043271.